The following is an entry in ClinVar:

ClinVar aggregate classification (germline): Uncertain significance (1 of 4 stars; one submission).

Conditions:
RASopathy. Also called: rasopathies; Noonan spectrum disorder. Identifiers: Orphanet 536391, MedGen C5555857, MONDO:0021060.

Allele frequency attached by ClinVar (database versions not stated): TOPMed below 0.00001; gnomAD 0.00001; gnomAD exomes below 0.00001.
gnomAD v4.1: 2 of 1,607,322 alleles (0.00012%); highest among the groups gnomAD compares: Admixed American, 0.0033%; no homozygotes.

Submission:

Labcorp Genetics (formerly Invitae), Labcorp
Classification: Uncertain significance for RASopathy. Last evaluated: 2026-01-20. Review status: criteria provided, single submitter. Criteria: Invitae Variant Classification Sherloc (09022015). Collection method: clinical testing. Allele origin: germline.
Comment: This sequence change replaces alanine, which is neutral and non-polar, with glycine, which is neutral and non-polar, at codon 376 of the SOS1 protein (p.Ala376Gly). This variant is not present in population databases (gnomAD no frequency). This variant has not been reported in the literature in individuals affected with SOS1-related conditions. ClinVar contains an entry for this variant (Variation ID: 2885727). Invitae Evidence Modeling of protein sequence and biophysical properties (such as structural, functional, and spatial information, amino acid conservation, physicochemical variation, residue mobility, and thermodynamic stability) has been performed for this missense variant. However, the output from this modeling did not meet the statistical confidence thresholds required to predict the impact of this variant on SOS1 protein function. In summary, the available evidence is currently insufficient to determine the role of this variant in disease. Therefore, it has been classified as a Variant of Uncertain Significance.

NM_005633.4(SOS1):c.1127C>G (p.Ala376Gly)

Gene: SOS1 (SOS Ras/Rac guanine nucleotide exchange factor 1; minus strand). Cytogenetic location: 2p22.1.
Variant type: single nucleotide variant.
Coding change: c.1127C>G on transcript NM_005633.4 (MANE Select); coding-DNA position 1127, C replaced by G.
Protein change: p.Ala376Gly; replaces alanine 376 with glycine.
Molecular consequence: missense variant.
Genome position (GRCh38, 1-based): chr2:39,024,085, G>C on the plus strand (C>G on the coding strand, the complement: SOS1 is on the minus strand). VCF-style: chr2-39024085-G-C. GRCh37 (hg19) VCF-style: chr2-39251226-G-C.
Other names: c.1106C>G, p.Ala369Gly (NM_001382394.1); c.1127C>G, p.Ala376Gly (NM_001382395.1); short protein forms A376G, A369G.
Identifiers: ClinVar variation 2885727 (VCV002885727.3), dbSNP rs1347684399, ClinGen allele CA346366905.